The following is an entry in ClinVar:

ClinVar aggregate classification (germline): Pathogenic. Review status: criteria provided, multiple submitters, no conflicts (2 of 4 stars). 4 submissions from 4 submitters: Pathogenic (3). 1 of the submissions does not count toward it. Last evaluated 2025-08-29.

Conditions:
Hypophosphatasia. Also called: Phosphoethanol-aminuria. Identifiers: Orphanet 436, MedGen C0020630, MeSH D007014, MONDO:0018570.
Infantile hypophosphatasia. Identifiers: Orphanet 247651, Orphanet 436, MedGen C0268412, MONDO:1010169, OMIM 241500, MONDO:0009427.

Submissions (4):

Genomenon, Inc
Classification: Pathogenic for Hypophosphatasia. Last evaluated: 2025-08-29. Review status: criteria provided, single submitter. Criteria: Genomenon Sequence Variant Interpretation Standards. Collection method: curation. Allele origin: germline. Affected: yes.
Comment: ALPL p.Arg138GlyfsTer27 (c.412del) is a frameshift variant that results in the production of a truncated protein which is predicted to undergo nonsense-mediated mRNA decay. This variant has been observed in at least one proband affected with hypophosphatasia (PMID:33827627). It is absent or not present at a significant frequency in gnomAD. In conclusion, we classify ALPL p.Arg138GlyfsTer27 (c.412del) as a pathogenic variant.

Labcorp Genetics (formerly Invitae), Labcorp
Classification: Pathogenic. Last evaluated: 2025-07-28. Review status: criteria provided, single submitter. Criteria: Invitae Variant Classification Sherloc (09022015). Collection method: clinical testing. Allele origin: germline.
Comment: This sequence change creates a premature translational stop signal (p.Arg138Glyfs*27) in the ALPL gene. It is expected to result in an absent or disrupted protein product. Loss-of-function variants in ALPL are known to be pathogenic (PMID: 3174660, 10679946, 32973344, 33814268). This variant is present in population databases (no rsID available, gnomAD 0.06%). This variant has not been reported in the literature in individuals affected with ALPL-related conditions. ClinVar contains an entry for this variant (Variation ID: 1075198). For these reasons, this variant has been classified as Pathogenic.

JKU Lab, Dept of Paediatrics, Johannes Kepler University
Classification: Pathogenic for Hypophosphatasia. Last evaluated: 2023-06-20. Review status: criteria provided, single submitter. Criteria: ACMG Guidelines, 2015. Collection method: clinical testing. Allele origin: germline. Affected: yes. Observed: 1 compound heterozygote.
Comment: GnomAd frequency = 0.000193 (East Asian). The ACMG criteria applied can be looked up in the ALPL gene variant database.

Pediatrics Department, Third Hospital of Peking University
Classification: Likely pathogenic for Infantile hypophosphatasia. Review status: no assertion criteria provided. Collection method: clinical testing. Allele origin: germline, biparental. Affected: no and yes. Observed: 2 variant alleles, 1 heterozygote, 2 compound heterozygotes. Not counted in ClinVar's aggregate classification.
Comment: The c.412del (p.Arg138GlyfsTer27) variant is pathogenic due to its protein-truncating nature (PVS1), absence in controls (PM2), deleterious predictions (PP3), and functional correlation with ALP deficiency (PS3). The proband's lethal HPP phenotype (PP4) and parental segregation confirm its clinical relevance.

Literature cited by the submitters: PubMed 33827627 (cited by Genomenon, Inc and JKU Lab, Dept of Paediatrics, Johannes Kepler University); PubMed 3174660 (cited by Labcorp Genetics (formerly Invitae), Labcorp); PubMed 10679946 (cited by Labcorp Genetics (formerly Invitae), Labcorp); PubMed 32973344 (cited by Labcorp Genetics (formerly Invitae), Labcorp); PubMed 33814268 (cited by Labcorp Genetics (formerly Invitae), Labcorp); DOI 10.1002/humu.23140 (cited by Pediatrics Department, Third Hospital of Peking University).

NM_000478.6(ALPL):c.412del (p.Arg138fs)

Gene: ALPL (alkaline phosphatase, biomineralization associated; plus strand). Cytogenetic location: 1p36.12.
Variant type: Deletion.
Coding change: c.412del on transcript NM_000478.6 (MANE Select); coding-DNA position 412, one base deleted (C; older notation c.412delC).
Protein change: p.Arg138fs; shifts the reading frame from arginine 138.
Molecular consequence: frameshift variant.
Genome position (GRCh38, 1-based): chr1:21,563,224, C deleted; the last of 3 consecutive C bases (chr1:21,563,222-21,563,224); deleting any one gives the same sequence. VCF-style (leftmost placement, unchanged base first): chr1-21563221-TC-T. GRCh37 (hg19) VCF-style: chr1-21889714-TC-T.
Other names: c.410delC (NM_000478.6); c.247del, p.Arg83fs (NM_001127501.4); c.181del, p.Arg61fs (NM_001177520.3); c.412del, p.Arg138fs (NM_001369803.2, NM_001369804.2, NM_001369805.2); short protein forms R138fs, R61fs, R83fs.
Identifiers: ClinVar variation 1075198 (VCV001075198.9), dbSNP rs1312528958, ClinGen allele CA521899835.